The following is an entry in ClinVar:

NM_001321075.3(DLG4):c.925C>T (p.Arg309Ter)

Genes: DLG4 (discs large MAGUK scaffold protein 4; minus strand), LOC126862479 (MED14-independent group 3 enhancer GRCh37_chr17:7099412-7100611; plus strand). Cytogenetic location: 17p13.1.
Variant type: single nucleotide variant.
Coding change: c.925C>T on transcript NM_001321075.3 (MANE Select); coding-DNA position 925, C replaced by T.
Protein change: p.Arg309Ter; replaces arginine 309 with a stop codon.
Molecular consequence: nonsense. On other transcripts: non-coding transcript variant (1).
Genome position (GRCh38, 1-based): chr17:7,196,915, G>A on the plus strand (C>T on the coding strand, the complement: DLG4 is on the minus strand). VCF-style: chr17-7196915-G-A. GRCh37 (hg19) VCF-style: chr17-7100234-G-A.
Other names: c.916C>T, p.Arg306Ter (NM_001128827.4); c.1045C>T, p.Arg349Ter (NM_001321074.1); c.745C>T, p.Arg249Ter (NM_001321076.3, NM_001321077.3); c.1054C>T, p.Arg352Ter (NM_001365.5); c.844C>T, p.Arg282Ter (NM_001369566.3); short protein forms R352*, R349*, R282*, R309*, R249*, R306*.
Identifiers: ClinVar variation 813881 (VCV000813881.17), dbSNP rs1182894684, ClinGen allele CA397716847.

ClinVar aggregate classification (germline): Pathogenic/Likely pathogenic. Review status: criteria provided, multiple submitters, no conflicts (2 of 4 stars). 8 submissions from 8 submitters: Pathogenic (6); Likely pathogenic (1). 1 of the submissions does not count toward it. Last evaluated 2025-08-13.

Conditions:
DLG4-related disorder. Also called: DLG4-related condition.
Intellectual developmental disorder 62. Also called: INTELLECTUAL DEVELOPMENTAL DISORDER, AUTOSOMAL DOMINANT 62; MENTAL RETARDATION, AUTOSOMAL DOMINANT 62. Identifiers: MedGen C5394083, MONDO:0032919, OMIM 618793.

Submissions (8):

PreventionGenetics, part of Exact Sciences
Classification: Pathogenic for DLG4-related condition. Last evaluated: 2025-08-13. Review status: criteria provided, single submitter. Criteria: ACMG Guidelines, 2015. Collection method: clinical testing. Allele origin: germline.
Comment: The DLG4 c.1054C>T variant is predicted to result in premature protein termination (p.Arg352*). This variant has been reported as arising de novo in individuals with intellectual disability (Table S2 in Lelieveld et al. 2016. PubMed ID: 27479843; Rodríguez-Palmero et al. 2021. PubMed ID: 33597769; internal data PreventionGenetics). This variant has not been reported in a large population database gnomAD, indicating this variant is rare. Nonsense variants in DLG4 are expected to be pathogenic, and this variant has been classified as pathogenic or likely pathogenic by multiple independent submitters to the ClinVar database. Given the evidence, we interpret the c.1054C>T (p.Arg352*) variant as pathogenic.

Tumer Group, Copenhagen University Hospital, Rigshospitalet
Classification: Pathogenic for Intellectual developmental disorder 62. Last evaluated: 2023-02-28. Review status: criteria provided, single submitter. Criteria: ACMG Guidelines, 2015. Collection method: research. Allele origin: de novo. Affected: yes.

Genetics Laboratory, UDIAT-Centre Diagnòstic, Hospital Universitari Parc Tauli
Classification: Pathogenic for Intellectual developmental disorder 62. Last evaluated: 2022-10-04. Review status: criteria provided, single submitter. Criteria: Parc Tauli Hospital Assertion Criteria 2021. Collection method: clinical testing. Allele origin: de novo. Inheritance: Autosomal dominant inheritance. Affected: yes.
Comment: PVS1;PM6;PM2_supporting

GeneDx
Classification: Pathogenic. Last evaluated: 2022-06-23. Review status: criteria provided, single submitter. Criteria: GeneDx Variant Classification Process June 2021. Collection method: clinical testing. Allele origin: germline. Affected: yes.
Comment: Nonsense variant predicted to result in protein truncation or nonsense mediated decay in a gene for which loss-of-function is a known mechanism of disease; Not observed in large population cohorts (gnomAD); This variant is associated with the following publications: (PMID: 27479843, 33597769)

Institute of Human Genetics, University of Leipzig Medical Center
Classification: Pathogenic for Intellectual developmental disorder 62. Last evaluated: 2021-12-21. Review status: criteria provided, single submitter. Criteria: ACMG Guidelines, 2015. Collection method: research. Allele origin: de novo. Affected: yes.

Laboratory of Molecular Genetics (Pr. Bezieau's lab), CHU de Nantes
Classification: Likely pathogenic. Last evaluated: 2019-11-05. Review status: criteria provided, single submitter. Criteria: ACMG Guidelines, 2015. Collection method: clinical testing. Allele origin: germline. Affected: yes.

Juno Genomics, Hangzhou Juno Genomics, Inc
Classification: Pathogenic for Intellectual developmental disorder 62. Review status: criteria provided, single submitter. Criteria: ACMG Guidelines, 2015. Collection method: clinical testing. Allele origin: germline. Affected: yes.
Comment: Null variant in a gene where loss of function (LOF) is a known mechanism of disease.;Absent from controls (or at extremely low frequency if recessive) in Genome Aggregation Database, Exome Sequencing Project, 1000 Genomes Project, or Exome Aggregation Consortium.;The prevalence of the variant in affected individuals is significantly increased compared to the prevalence in controls.;Assumed de novo, but without confirmation of paternity and maternity.

OMIM
Classification: Pathogenic for INTELLECTUAL DEVELOPMENTAL DISORDER, AUTOSOMAL DOMINANT 62. Last evaluated: 2020-12-11. Review status: no assertion criteria provided. Collection method: literature only. Allele origin: germline. Not counted in ClinVar's aggregate classification.

Literature cited by the submitters: PubMed 33597769 (cited by Institute of Human Genetics, University of Leipzig Medical Center); PubMed 27479843 (cited by OMIM).